The following is an entry in ClinVar:

ClinVar aggregate classification (germline): Conflicting classifications of pathogenicity. Review status: criteria provided, conflicting classifications (1 of 4 stars). 5 submissions from 5 submitters: Uncertain significance (4); Likely benign (1). Last evaluated 2024-04-08.

Conditions:
Breast-ovarian cancer, familial, susceptibility to, 1 (BROVCA1). Also called: BRCA1 Hereditary Breast and Ovarian Cancer; OVARIAN CANCER, SUSCEPTIBILITY TO. Identifiers: Orphanet 145, MedGen C2676676, MONDO:0011450, OMIM 604370. Disease mechanism: loss of function.
Hereditary breast ovarian cancer syndrome. Also called: Breast and ovarian cancer; Hereditary breast and ovarian cancer; Hereditary breast and ovarian cancer syndrome; Hereditary breast and/or ovarian cancer syndrome; BRCA1- and BRCA2-Associated Hereditary Breast and Ovarian Cancer; Hereditary breast and ovarian cancer syndrome (HBOC). Identifiers: Orphanet 145, MedGen C0677776, MeSH D061325, MONDO:0003582. Disease mechanism: loss of function.
Hereditary cancer-predisposing syndrome. Also called: Tumor predisposition; Hereditary Cancer Syndrome; Neoplastic Syndromes, Hereditary; Hereditary neoplastic syndrome. Identifiers: Orphanet 140162, MedGen C0027672, MeSH D009386, MONDO:0015356.

Allele frequency attached by ClinVar (database versions not stated): gnomAD exomes below 0.00001; gnomAD 0.00001.
gnomAD v4.1: 2 of 1,613,766 alleles (0.00012%); highest among the groups gnomAD compares: Non-Finnish European, 0.00017%; no homozygotes.

Submissions (5):

Labcorp Genetics (formerly Invitae), Labcorp
Classification: Uncertain significance for Hereditary breast ovarian cancer syndrome. Last evaluated: 2024-04-08. Review status: criteria provided, single submitter. Criteria: Invitae Variant Classification Sherloc (09022015). Collection method: clinical testing. Allele origin: germline.
Comment: This sequence change replaces valine, which is neutral and non-polar, with methionine, which is neutral and non-polar, at codon 1054 of the BRCA1 protein (p.Val1054Met). This variant is not present in population databases (gnomAD no frequency). This variant has not been reported in the literature in individuals affected with BRCA1-related conditions. ClinVar contains an entry for this variant (Variation ID: 230277). Advanced modeling of protein sequence and biophysical properties (such as structural, functional, and spatial information, amino acid conservation, physicochemical variation, residue mobility, and thermodynamic stability) performed at Invitae indicates that this missense variant is not expected to disrupt BRCA1 protein function with a negative predictive value of 95%. In summary, the available evidence is currently insufficient to determine the role of this variant in disease. Therefore, it has been classified as a Variant of Uncertain Significance.

Color Diagnostics, LLC DBA Color Health
Classification: Uncertain significance for Hereditary cancer-predisposing syndrome. Last evaluated: 2024-02-06. Review status: criteria provided, single submitter. Criteria: ACMG Guidelines, 2015. Collection method: clinical testing. Allele origin: germline.
Comment: This missense variant replaces valine with methionine at codon 1054 of the BRCA1 protein. Computational prediction is inconclusive regarding the impact of this variant on protein structure and function). To our knowledge, functional studies have not been reported for this variant. This variant has not been reported in individuals affected with BRCA1-related disorders in the literature. This variant has not been identified in the general population by the Genome Aggregation Database (gnomAD). The available evidence is insufficient to determine the role of this variant in disease conclusively. Therefore, this variant is classified as a Variant of Uncertain Significance.

Ambry Genetics
Classification: Uncertain significance for Hereditary cancer-predisposing syndrome. Last evaluated: 2023-11-24. Review status: criteria provided, single submitter. Criteria: Ambry Variant Classification Scheme 2023. Collection method: clinical testing. Allele origin: germline.
Comment: The p.V1054M variant (also known as c.3160G>A), located in coding exon 9 of the BRCA1 gene, results from a G to A substitution at nucleotide position 3160. The valine at codon 1054 is replaced by methionine, an amino acid with highly similar properties. This amino acid position is not well conserved in available vertebrate species. In addition, the in silico prediction for this alteration is inconclusive. Since supporting evidence is limited at this time, the clinical significance of this alteration remains unclear.

All of Us Research Program, National Institutes of Health
Classification: Uncertain significance for Breast-ovarian cancer, familial, susceptibility to, 1. Last evaluated: 2023-11-20. Review status: criteria provided, single submitter. Criteria: ACMG Guidelines, 2015. Collection method: clinical testing. Allele origin: germline. Inheritance: Autosomal dominant inheritance. Observed: 3 variant alleles, 3 heterozygotes.
Comment: This missense variant replaces valine with methionine at codon 1054 of the BRCA1 protein. Computational prediction is inconclusive regarding the impact of this variant on protein structure and function (internally defined REVEL score threshold 0.5 < inconclusive < 0.7, PMID: 27666373). To our knowledge, functional studies have not been reported for this variant. This variant has not been reported in individuals affected with BRCA1-related disorders in the literature. This variant has not been identified in the general population by the Genome Aggregation Database (gnomAD). The available evidence is insufficient to determine the role of this variant in disease conclusively. Therefore, this variant is classified as a Variant of Uncertain Significance.

This study involves interpretation of variants in research participants for the purpose of population health screening. Participant phenotype was not available at the time of variant classification. Additional details can be found in publication PMID: 35346344, PMCID: PMC8962531

University of Washington Department of Laboratory Medicine, University of Washington
Classification: Likely benign for Hereditary cancer-predisposing syndrome. Last evaluated: 2023-03-23. Review status: criteria provided, single submitter. Criteria: Dines et al. (Genet Med. 2020). Collection method: curation. Allele origin: germline.
Comment: Missense variant in a coldspot region where missense variants are very unlikely to be pathogenic (PMID:31911673).

BRCA1 coldspot (exon 11 using historical exon numbering). Reclassification based on statistical prior probability

NM_007294.4(BRCA1):c.3160G>A (p.Val1054Met)

Gene: BRCA1 (BRCA1 DNA repair associated; minus strand). Cytogenetic location: 17q21.31.
Variant type: single nucleotide variant.
Coding change: c.3160G>A on transcript NM_007294.4 (MANE Select); coding-DNA position 3160, G replaced by A.
Protein change: p.Val1054Met; replaces valine 1054 with methionine.
Molecular consequence: missense variant. On other transcripts: intron variant (137).
Genome position (GRCh38, 1-based): chr17:43,092,371, C>T on the plus strand (G>A on the coding strand, the complement: BRCA1 is on the minus strand). VCF-style: chr17-43092371-C-T. GRCh37 (hg19) VCF-style: chr17-41244388-C-T.
Other names: c.2947G>A, p.Val983Met (NM_001407571.1, NM_001407853.1, NM_001407894.1 and 9 more transcripts); c.3160G>A, p.Val1054Met (NM_001407581.1, NM_001407582.1, NM_001407583.1 and 30 more transcripts); c.3157G>A, p.Val1053Met (NM_001407587.1, NM_001407590.1, NM_001407591.1 and 22 more transcripts); c.3151G>A, p.Val1051Met (NM_001407646.1, NM_001407647.1); c.3037G>A, p.Val1013Met (NM_001407648.1, NM_001407664.1, NM_001407665.1 and 19 more transcripts); c.3034G>A, p.Val1012Met (NM_001407649.1, NM_001407670.1, NM_001407671.1 and 11 more transcripts); c.3082G>A, p.Val1028Met (NM_001407653.1, NM_001407654.1, NM_001407655.1 and 4 more transcripts); c.3079G>A, p.Val1027Met (NM_001407659.1, NM_001407660.1, NM_001407661.1 and 1 more transcripts); and 41 more; short protein forms V1054M, V1007M, V1006M, V1053M, V886M, V942M, V965M, V1028M.
Identifiers: ClinVar variation 230277 (VCV000230277.22), dbSNP rs876658479, ClinGen allele CA10580580.